The following is an entry in ClinVar:

NM_000180.4(GUCY2D):c.2608C>A (p.Pro870Thr)

Gene: GUCY2D (guanylate cyclase 2D, retinal; plus strand). Cytogenetic location: 17p13.1.
Variant type: single nucleotide variant.
Coding change: c.2608C>A on transcript NM_000180.4 (MANE Select); coding-DNA position 2608, C replaced by A.
Protein change: p.Pro870Thr; replaces proline 870 with threonine.
Molecular consequence: missense variant.
Genome position (GRCh38, 1-based): chr17:8,014,890, C>A. VCF-style: chr17-8014890-C-A. GRCh37 (hg19) VCF-style: chr17-7918208-C-A.
Other names: c.2608C>A (NM_000180.3); short protein forms P870T.
Identifiers: ClinVar variation 1058296 (VCV001058296.8), dbSNP rs1009898777, ClinGen allele CA287533269.

ClinVar aggregate classification (germline): Uncertain significance. Review status: criteria provided, multiple submitters, no conflicts (2 of 4 stars). 3 submissions from 3 submitters: Uncertain significance (3). Last evaluated 2024-02-27.

Conditions:
Inborn genetic diseases. Identifiers: MedGen C0950123, MeSH D030342.
Leber congenital amaurosis 1 (LCA1). Also called: Congenital absence of the rods and cones; Leber's congenital tapetoretinal degeneration; Leber's congenital tapetoretinal dysplasia; RETINAL BLINDNESS, CONGENITAL; AMAUROSIS CONGENITA OF LEBER I. Identifiers: Orphanet 65, MedGen C2931258, MONDO:0008764, OMIM 204000.
Cone-rod dystrophy 6 (CORD6). Also called: RETINAL CONE DYSTROPHY 2; Cone dystrophy progressive. Identifiers: Orphanet 1872, MedGen C1866293, MONDO:0011143, OMIM 601777.

Allele frequency attached by ClinVar (database versions not stated): gnomAD 0.00003 and 0.00004; TOPMed 0.00003.

Submissions (3):

Ambry Genetics
Classification: Uncertain significance for Inborn genetic diseases. Last evaluated: 2024-02-27. Review status: criteria provided, single submitter. Criteria: Ambry Variant Classification Scheme 2023. Collection method: clinical testing. Allele origin: germline.

Labcorp Genetics (formerly Invitae), Labcorp
Classification: Uncertain significance for Leber congenital amaurosis 1; Cone-rod dystrophy 6. Last evaluated: 2021-08-27. Review status: criteria provided, single submitter. Criteria: Invitae Variant Classification Sherloc (09022015). Collection method: clinical testing. Allele origin: germline.
Comment: This sequence change replaces proline with threonine at codon 870 of the GUCY2D protein (p.Pro870Thr). The proline residue is highly conserved and there is a small physicochemical difference between proline and threonine. This variant is not present in population databases (ExAC no frequency). This variant has not been reported in the literature in individuals affected with GUCY2D-related conditions. Algorithms developed to predict the effect of missense changes on protein structure and function are either unavailable or do not agree on the potential impact of this missense change (SIFT: "Deleterious"; PolyPhen-2: "Possibly Damaging"; Align-GVGD: "Class C0"). In summary, the available evidence is currently insufficient to determine the role of this variant in disease. Therefore, it has been classified as a Variant of Uncertain Significance.

Blueprint Genetics
Classification: Uncertain significance. Last evaluated: 2019-08-15. Review status: criteria provided, single submitter. Criteria: ACMG Guidelines, 2015. Collection method: clinical testing. Allele origin: germline.